The following is an entry in ClinVar:

ClinVar aggregate classification (germline): Pathogenic (1 of 4 stars; one submission).

Conditions:
Familial adenomatous polyposis 2. Also called: MUTYH-associated polyposis; MUTYH-related attenuated familial adenomatous polyposis; FAP type 2; MYH-associated polyposis; MUTYH Polyposis; COLORECTAL ADENOMATOUS POLYPOSIS, AUTOSOMAL RECESSIVE. Identifiers: Orphanet 220460, Orphanet 247798, MedGen C3272841, MONDO:0012041, OMIM 608456.

Submission:

Myriad Genetics, Inc.
Classification: Pathogenic for Familial adenomatous polyposis 2. Last evaluated: 2025-08-07. Review status: criteria provided, single submitter. Criteria: Myriad Autosomal Dominant, Autosomal Recessive and X-Linked Classification Criteria (2023). Collection method: clinical testing. Allele origin: unknown.
Comment: This variant is considered pathogenic. This variant creates a frameshift predicted to result in premature protein truncation.

NM_001048174.2(MUTYH):c.1250_1265del (p.Thr417fs)

Gene: MUTYH (mutY DNA glycosylase; minus strand). Cytogenetic location: 1p34.1.
Variant type: Deletion.
Coding change: c.1250_1265del on transcript NM_001048174.2 (MANE Select); coding-DNA positions 1250 to 1265, 16 bases deleted (CCTTCTCTCACATCAA).
Protein change: p.Thr417fs; shifts the reading frame from threonine 417.
Molecular consequence: frameshift variant. On other transcripts: non-coding transcript variant (7).
Genome position (GRCh38, 1-based): chr1:45,331,309-45,331,324, TTGATGTGAGAGAAGG deleted on the plus strand (CCTTCTCTCACATCAA on the coding strand, the reverse complement: MUTYH is on the minus strand); deleting any 16 consecutive bases within chr1:45,331,309-45,331,325 gives the same sequence; the c. name uses the placement nearest the transcript's 3' end. VCF-style (leftmost placement, unchanged base first): chr1-45331308-CTTGATGTGAGAGAAGG-C. GRCh37 (hg19) VCF-style: chr1-45796980-CTTGATGTGAGAGAAGG-C.
Other names: c.1250_1265del, p.Thr417fs (NM_001048171.2, NM_001048173.2, NM_001293195.2 and 6 more transcripts); c.1253_1268del, p.Thr418fs (NM_001048172.2, NM_001407078.1, NM_001407086.1 and 1 more transcripts); c.1334_1349del, p.Thr445fs (NM_001128425.2); c.1295_1310del, p.Thr432fs (NM_001293190.2); c.1283_1298del, p.Thr428fs (NM_001293191.2, NM_001407077.1, NM_001407069.1); c.974_989del, p.Thr325fs (NM_001293192.2, NM_001407091.1, NM_001293196.2); c.1211_1226del, p.Thr404fs (NM_001407079.1); c.1208_1223del, p.Thr403fs (NM_001407080.1); and 5 more; short protein forms T302fs, T325fs, T389fs, T403fs, T404fs, T417fs, T418fs, T424fs.
Identifiers: ClinVar variation 4294248 (VCV004294248.1).